The following is an entry in ClinVar:

ClinVar aggregate classification (germline): Uncertain significance (1 of 4 stars; one submission).

Conditions:
Congenital primary aphakia. Also called: Anterior segment dysgenesis 2, multiple subtypes; ANTERIOR SEGMENT DYSGENESIS 2. Identifiers: Orphanet 83461, MedGen C1853230, MONDO:0012456, OMIM 610256.
Anterior segment dysgenesis. Also called: Ocular anterior segment dysgenesis. Identifiers: Orphanet 88632, MedGen C1862839, MONDO:0019503, HP:0007700.

Submission:

Labcorp Genetics (formerly Invitae), Labcorp
Classification: Uncertain significance for Anterior segment dysgenesis; Congenital primary aphakia. Last evaluated: 2024-11-19. Review status: criteria provided, single submitter. Criteria: Invitae Variant Classification Sherloc (09022015). Collection method: clinical testing. Allele origin: germline.
Comment: This sequence change replaces glycine, which is neutral and non-polar, with valine, which is neutral and non-polar, at codon 142 of the FOXE3 protein (p.Gly142Val). This variant is present in population databases (rs772151811, gnomAD 0.0009%). This variant has not been reported in the literature in individuals affected with FOXE3-related conditions. Invitae Evidence Modeling of protein sequence and biophysical properties (such as structural, functional, and spatial information, amino acid conservation, physicochemical variation, residue mobility, and thermodynamic stability) indicates that this missense variant is expected to disrupt FOXE3 protein function with a positive predictive value of 80%. In summary, the available evidence is currently insufficient to determine the role of this variant in disease. Therefore, it has been classified as a Variant of Uncertain Significance.

NM_012186.3(FOXE3):c.425G>T (p.Gly142Val)

Genes: FOXE3 (forkhead box E3; plus strand), LINC01389 (long independently transcribed non-coding RNA 1389; minus strand). Cytogenetic location: 1p33.
Variant type: single nucleotide variant.
Coding change: c.425G>T on transcript NM_012186.3 (MANE Select); coding-DNA position 425, G replaced by T.
Protein change: p.Gly142Val; replaces glycine 142 with valine.
Molecular consequence: missense variant.
Genome position (GRCh38, 1-based): chr1:47,416,740, G>T. VCF-style: chr1-47416740-G-T. GRCh37 (hg19) VCF-style: chr1-47882412-G-T.
Other names: short protein forms G142V.
Identifiers: ClinVar variation 3762785 (VCV003762785.2).